The following is an entry in ClinVar:

NM_000289.6(PFKM):c.780_783del (p.Ile260fs)

Gene: PFKM (phosphofructokinase, muscle; plus strand). Cytogenetic location: 12q13.11.
Variant type: Deletion.
Coding change: c.780_783del on transcript NM_000289.6 (MANE Select); coding-DNA positions 780 to 783, 4 bases deleted (CATT; older notation c.780_783delCATT).
Protein change: p.Ile260fs; shifts the reading frame from isoleucine 260.
Molecular consequence: frameshift variant. On other transcripts: non-coding transcript variant (6).
Genome position (GRCh38, 1-based): chr12:48,134,975-48,134,978, CATT deleted; deleting any 4 consecutive bases within chr12:48,134,974-48,134,978 gives the same sequence; the c. name uses the placement nearest the transcript's 3' end. VCF-style (leftmost placement, unchanged base first): chr12-48134973-ATCAT-A. GRCh37 (hg19) VCF-style: chr12-48528756-ATCAT-A.
Other names: c.993_996del, p.Ile331fs (NM_001166686.2, NM_001354737.1, NM_001354738.1 and 1 more transcripts); c.780_783del, p.Ile260fs (NM_001166687.2, NM_001166688.2, NM_001354742.2 and 4 more transcripts); c.1089_1092del, p.Ile363fs (NM_001354735.1, NM_001354736.1); c.924_927del, p.Ile308fs (NM_001354740.1); c.804_807del, p.Ile268fs (NM_001354741.2); c.693_696del, p.Ile231fs (NM_001354745.2); c.630_633del, p.Ile210fs (NM_001354747.2, NM_001354748.2); short protein forms I210fs, I231fs, I260fs, I268fs, I308fs, I331fs, I363fs.
Identifiers: ClinVar variation 2413895 (VCV002413895.6), dbSNP rs1343104321, ClinGen allele CA689493888.

ClinVar aggregate classification (germline): Pathogenic (1 of 4 stars; one submission).

Conditions:
Glycogen storage disease, type VII (GSD7). Also called: GSD VII; MUSCLE PHOSPHOFRUCTOKINASE DEFICIENCY; PFKM DEFICIENCY; TARUI DISEASE. Identifiers: Orphanet 371, MedGen C0017926, MONDO:0009295, OMIM 232800.

Submission:

Labcorp Genetics (formerly Invitae), Labcorp
Classification: Pathogenic for Glycogen storage disease, type VII. Last evaluated: 2023-12-30. Review status: criteria provided, single submitter. Criteria: Invitae Variant Classification Sherloc (09022015). Collection method: clinical testing. Allele origin: germline.
Comment: This sequence change creates a premature translational stop signal (p.Ile260Metfs*61) in the PFKM gene. It is expected to result in an absent or disrupted protein product. Loss-of-function variants in PFKM are known to be pathogenic (PMID: 7825568, 8037209). This variant is not present in population databases (gnomAD no frequency). This variant has not been reported in the literature in individuals affected with PFKM-related conditions. ClinVar contains an entry for this variant (Variation ID: 2413895). For these reasons, this variant has been classified as Pathogenic.

Literature cited by the submitters: PubMed 7825568; PubMed 8037209.